The following is an entry in ClinVar:

ClinVar aggregate classification (germline): Pathogenic (1 of 4 stars; one submission).

Conditions:
Primary ciliary dyskinesia. Also called: Ciliary dyskinesia. Identifiers: Orphanet 244, MedGen C0008780, MONDO:0016575, HP:0012265.

Submission:

Labcorp Genetics (formerly Invitae), Labcorp
Classification: Pathogenic for Primary ciliary dyskinesia. Last evaluated: 2023-05-20. Review status: criteria provided, single submitter. Criteria: Invitae Variant Classification Sherloc (09022015). Collection method: clinical testing. Allele origin: germline.
Comment: This sequence change creates a premature translational stop signal (p.Glu2758*) in the DNAH5 gene. It is expected to result in an absent or disrupted protein product. Loss-of-function variants in DNAH5 are known to be pathogenic (PMID: 11788826, 16627867). This variant is not present in population databases (gnomAD no frequency). This variant has not been reported in the literature in individuals affected with DNAH5-related conditions. For these reasons, this variant has been classified as Pathogenic.

Literature cited by the submitters: PubMed 11788826; PubMed 16627867.

NM_001369.3(DNAH5):c.8272G>T (p.Glu2758Ter)

Gene: DNAH5 (dynein axonemal heavy chain 5; minus strand). Cytogenetic location: 5p15.2.
Variant type: single nucleotide variant.
Coding change: c.8272G>T on transcript NM_001369.3 (MANE Select); coding-DNA position 8272, G replaced by T.
Protein change: p.Glu2758Ter; replaces glutamic acid 2758 with a stop codon.
Molecular consequence: nonsense.
Genome position (GRCh38, 1-based): chr5:13,792,170, C>A on the plus strand (G>T on the coding strand, the complement: DNAH5 is on the minus strand). VCF-style: chr5-13792170-C-A. GRCh37 (hg19) VCF-style: chr5-13792279-C-A.
Other names: short protein forms E2758*.
Identifiers: ClinVar variation 2866200 (VCV002866200.3), dbSNP rs2546737515, ClinGen allele CA359219616.
Genomic context (GRCh38, chr5:13,792,170, plus strand): 5'-TGGTCATCTGCCATAGTCGGCGTGTCAGAGGCACCAATTTTGTCACAGAATCTCTCACTT[C>A]TTCTGAGAAACCCCTCTGAGTACAGTAGTGGCCTACCCCAATCACACCTGAAAAGGGGGA-3'